The following is an entry in ClinVar:

ClinVar aggregate classification (germline): Likely pathogenic (1 of 4 stars; one submission).

Submission:

Labcorp Genetics (formerly Invitae), Labcorp
Classification: Likely pathogenic. Last evaluated: 2025-05-19. Review status: criteria provided, single submitter. Criteria: Invitae Variant Classification Sherloc (09022015). Collection method: clinical testing. Allele origin: germline.
Comment: This sequence change affects a donor splice site in intron 8 of the C6 gene. It is expected to disrupt RNA splicing. Variants that disrupt the donor or acceptor splice site typically lead to a loss of protein function (PMID: 16199547), and loss-of-function variants in C6 are known to be pathogenic (PMID: 17257682). This variant is not present in population databases (gnomAD no frequency). This variant has not been reported in the literature in individuals affected with C6-related conditions. ClinVar contains an entry for this variant (Variation ID: 1520963). Algorithms developed to predict the effect of sequence changes on RNA splicing suggest that this variant may disrupt the consensus splice site. In summary, the currently available evidence indicates that the variant is pathogenic, but additional data are needed to prove that conclusively. Therefore, this variant has been classified as Likely Pathogenic.

Literature cited by the submitters: PubMed 16199547; PubMed 17257682.

NM_000065.5(C6):c.1168+1G>T

Gene: C6 (complement C6; minus strand). Cytogenetic location: 5p13.1.
Variant type: single nucleotide variant.
Coding change: c.1168+1G>T on transcript NM_000065.5 (MANE Select); the canonical splice donor site of the intron after coding-DNA position 1168, G replaced by T.
Molecular consequence: splice donor variant.
Genome position (GRCh38, 1-based): chr5:41,176,474, C>A on the plus strand (G>T on the coding strand, the complement: C6 is on the minus strand). VCF-style: chr5-41176474-C-A. GRCh37 (hg19) VCF-style: chr5-41176576-C-A.
Other names: c.1168+1G>T (NM_001115131.4).
Identifiers: ClinVar variation 1520963 (VCV001520963.6), dbSNP rs2150311349, ClinGen allele CA359600040.